The following is an entry in ClinVar:

ClinVar aggregate classification (germline): Pathogenic (1 of 4 stars; one submission).

Submission:

Labcorp Genetics (formerly Invitae), Labcorp
Classification: Pathogenic. Last evaluated: 2026-01-08. Review status: criteria provided, single submitter. Criteria: Invitae Variant Classification Sherloc (09022015). Collection method: clinical testing. Allele origin: germline.
Comment: This sequence change creates a premature translational stop signal (p.Gln717*) in the TRIOBP gene. It is expected to result in an absent or disrupted protein product. Loss-of-function variants in TRIOBP are known to be pathogenic (PMID: 16385457, 16385458, 20510926). This variant is present in population databases (no rsID available, gnomAD 0.003%). This variant has not been reported in the literature in individuals affected with TRIOBP-related conditions. For these reasons, this variant has been classified as Pathogenic.

Literature cited by the submitters: PubMed 16385457; PubMed 16385458; PubMed 20510926.

NM_001039141.3(TRIOBP):c.2149C>T (p.Gln717Ter)

Gene: TRIOBP (TRIO and F-actin binding protein; plus strand). Cytogenetic location: 22q13.1.
Variant type: single nucleotide variant.
Coding change: c.2149C>T on transcript NM_001039141.3 (MANE Select); coding-DNA position 2149, C replaced by T.
Protein change: p.Gln717Ter; replaces glutamine 717 with a stop codon.
Molecular consequence: nonsense.
Genome position (GRCh38, 1-based): chr22:37,724,705, C>T. VCF-style: chr22-37724705-C-T. GRCh37 (hg19) VCF-style: chr22-38120712-C-T.
Other names: short protein forms Q717*.
Identifiers: ClinVar variation 4803706 (VCV004803706.1).
Genomic context (GRCh38, chr22:37,724,705, plus strand): 5'-AGAACATCCTGTGCCCAACGGGACGATCCCAGAGCCTCCTCTCCTAACAGAACCACCCAA[C>T]AAGAGAACCCCAGAACATCCTGTGCCCGACGGGACAATCCCAGAGCCTCCTCTCGCAACA-3'